The following is an entry in ClinVar:

NM_007294.4(BRCA1):c.982del (p.Cys328fs)

Gene: BRCA1 (BRCA1 DNA repair associated; minus strand). Cytogenetic location: 17q21.31.
Variant type: Deletion.
Coding change: c.982del on transcript NM_007294.4 (MANE Select); coding-DNA position 982, one base deleted (T; older notation c.982delT).
Protein change: p.Cys328fs; shifts the reading frame from cysteine 328.
Molecular consequence: frameshift variant. On other transcripts: intron variant (137).
Genome position (GRCh38, 1-based): chr17:43,094,549, A deleted on the plus strand (T on the coding strand, the reverse complement: BRCA1 is on the minus strand). VCF-style (leftmost placement, unchanged base first): chr17-43094548-CA-C. GRCh37 (hg19) VCF-style: chr17-41246565-CA-C.
Other names: c.838del, p.Cys280fs (NM_001407741.1, NM_001407742.1, NM_001407743.1 and 20 more transcripts); c.841del, p.Cys281fs (NM_001407750.1, NM_001407751.1, NM_001407752.1 and 29 more transcripts); c.769del, p.Cys257fs (NM_001407853.1, NM_001407894.1, NM_001407895.1 and 9 more transcripts); c.982del, p.Cys328fs (NM_001407854.1, NM_001407858.1, NM_001407859.1 and 30 more transcripts); c.979del, p.Cys327fs (NM_001407860.1, NM_001407861.1, NM_001407587.1 and 22 more transcripts); c.781del, p.Cys261fs (NM_001407862.1); c.859del, p.Cys287fs (NM_001407863.1, NM_001407919.1, NM_001407937.1 and 19 more transcripts); c.778del, p.Cys260fs (NM_001407874.1, NM_001407875.1); and 40 more; short protein forms C281fs, C328fs, C261fs, C287fs, C325fs, C216fs, C257fs, C260fs.
Identifiers: ClinVar variation 2110661 (VCV002110661.5), dbSNP rs2552225801, ClinGen allele CA2580094047.

ClinVar aggregate classification (germline): Pathogenic. Review status: criteria provided, multiple submitters, no conflicts (2 of 4 stars). 2 submissions from 2 submitters: Pathogenic (2). Last evaluated 2025-05-06.

Conditions:
Hereditary cancer-predisposing syndrome. Also called: Neoplastic Syndromes, Hereditary; Hereditary Cancer Syndrome; Hereditary neoplastic syndrome; Tumor predisposition. Identifiers: Orphanet 140162, MedGen C0027672, MeSH D009386, MONDO:0015356.
Hereditary breast ovarian cancer syndrome. Also called: Hereditary breast and ovarian cancer syndrome; BRCA1- and BRCA2-Associated Hereditary Breast and Ovarian Cancer; Hereditary breast and ovarian cancer; Hereditary breast and/or ovarian cancer syndrome; Hereditary breast and ovarian cancer syndrome (HBOC); Breast and ovarian cancer. Identifiers: Orphanet 145, MedGen C0677776, MeSH D061325, MONDO:0003582. Disease mechanism: loss of function.

Submissions (2):

Ambry Genetics
Classification: Pathogenic for Hereditary cancer-predisposing syndrome. Last evaluated: 2025-05-06. Review status: criteria provided, single submitter. Criteria: Ambry Variant Classification Scheme 2023. Collection method: clinical testing. Allele origin: germline.
Comment: The c.982delT pathogenic mutation, located in coding exon 9 of the BRCA1 gene, results from a deletion of one nucleotide at nucleotide position 982, causing a translational frameshift with a predicted alternate stop codon (p.C328Vfs*13). This variant is considered to be rare based on population cohorts in the Genome Aggregation Database (gnomAD). This alteration is expected to result in loss of function by premature protein truncation or nonsense-mediated mRNA decay. As such, this alteration is interpreted as a disease-causing mutation.

Labcorp Genetics (formerly Invitae), Labcorp
Classification: Pathogenic for Hereditary breast ovarian cancer syndrome. Last evaluated: 2023-01-28. Review status: criteria provided, single submitter. Criteria: Invitae Variant Classification Sherloc (09022015). Collection method: clinical testing. Allele origin: germline.
Comment: This variant has not been reported in the literature in individuals affected with BRCA1-related conditions. For these reasons, this variant has been classified as Pathogenic. This variant is not present in population databases (gnomAD no frequency). This sequence change creates a premature translational stop signal (p.Cys328Valfs*13) in the BRCA1 gene. It is expected to result in an absent or disrupted protein product. Loss-of-function variants in BRCA1 are known to be pathogenic (PMID: 20104584).

Literature cited by the submitters: PubMed 20104584 (cited by Labcorp Genetics (formerly Invitae), Labcorp).